The following is an entry in ClinVar:

NM_001458.5(FLNC):c.6987C>A (p.Ala2329=)

Genes: FLNC-AS1 (FLNC antisense RNA 1; minus strand), FLNC (filamin C; plus strand). Cytogenetic location: 7q32.1.
Variant type: single nucleotide variant.
Coding change: c.6987C>A on transcript NM_001458.5 (MANE Select); coding-DNA position 6987, C replaced by A.
Protein change: p.Ala2329=; no amino-acid change (alanine 2329 retained).
Molecular consequence: synonymous variant.
Genome position (GRCh38, 1-based): chr7:128,854,672, C>A. VCF-style: chr7-128854672-C-A. GRCh37 (hg19) VCF-style: chr7-128494726-C-A.
Other names: c.6888C>A, p.Ala2296= (NM_001127487.2).
Identifiers: ClinVar variation 2167077 (VCV002167077.4), dbSNP rs771037016, ClinGen allele CA457849883.

ClinVar aggregate classification (germline): Uncertain significance (1 of 4 stars; one submission).

Conditions:
Myofibrillar myopathy 5. Also called: FILAMINOPATHY, AUTOSOMAL DOMINANT; Filaminopathy (type). Identifiers: Orphanet 171445, MedGen C1836050, MONDO:0012289, OMIM 609524.
Hypertrophic cardiomyopathy 26. Also called: Cardiomyopathy, familial hypertrophic, 26. Identifiers: Orphanet 75249, MedGen C4310749, MONDO:0014883, OMIM 617047.
Distal myopathy with posterior leg and anterior hand involvement. Also called: WILLIAMS DISTAL MYOPATHY. Identifiers: Orphanet 63273, MedGen C3279722, MONDO:0013550, OMIM 614065.

gnomAD v4.1: 2 of 1,612,344 alleles (0.00012%); highest among the groups gnomAD compares: Non-Finnish European, 0.00017%; no homozygotes.

Submission:

Labcorp Genetics (formerly Invitae), Labcorp
Classification: Uncertain significance for Distal myopathy with posterior leg and anterior hand involvement; Myofibrillar myopathy 5; Hypertrophic cardiomyopathy 26. Last evaluated: 2023-01-19. Review status: criteria provided, single submitter. Criteria: Invitae Variant Classification Sherloc (09022015). Collection method: clinical testing. Allele origin: germline.
Comment: In summary, the available evidence is currently insufficient to determine the role of this variant in disease. Therefore, it has been classified as a Variant of Uncertain Significance. Algorithms developed to predict the effect of sequence changes on RNA splicing suggest that this variant may create or strengthen a splice site. This variant has not been reported in the literature in individuals affected with FLNC-related conditions. This variant is not present in population databases (gnomAD no frequency). This sequence change affects codon 2329 of the FLNC mRNA. It is a 'silent' change, meaning that it does not change the encoded amino acid sequence of the FLNC protein.